The following is an entry in ClinVar:

ClinVar aggregate classification (germline): Likely benign. Review status: criteria provided, multiple submitters, no conflicts (2 of 4 stars). 2 submissions from 2 submitters: Likely benign (2). Last evaluated 2025-11-22.

Conditions:
Short-rib thoracic dysplasia 10 with or without polydactyly (SRTD10). Identifiers: Orphanet 474, MedGen C3810175, MONDO:0014284, OMIM 615630.
Retinitis pigmentosa 71 (RP71). Identifiers: Orphanet 791, MedGen C4225342, MONDO:0014618, OMIM 616394.
IFT172-related disorder. Also called: IFT172-related condition; IFT172-related disorders.

Allele frequency attached by ClinVar (database versions not stated): gnomAD exomes below 0.00001; TOPMed 0.00001; ExAC 0.00002.

Submissions (2):

Labcorp Genetics (formerly Invitae), Labcorp
Classification: Likely benign for Retinitis pigmentosa 71; Short-rib thoracic dysplasia 10 with or without polydactyly. Last evaluated: 2025-11-22. Review status: criteria provided, single submitter. Criteria: Invitae Variant Classification Sherloc (09022015). Collection method: clinical testing. Allele origin: germline.

PreventionGenetics, part of Exact Sciences
Classification: Likely benign for IFT172-related condition. Last evaluated: 2024-10-04. Review status: criteria provided, single submitter. Criteria: ACMG Guidelines, 2015. Collection method: clinical testing. Allele origin: germline.
Comment: This variant is classified as likely benign based on ACMG/AMP sequence variant interpretation guidelines (Richards et al. 2015 PMID: 25741868, with internal and published modifications).

NM_015662.3(IFT172):c.2023-9_2023-8insAA

Gene: IFT172 (intraflagellar transport 172; minus strand). Cytogenetic location: 2p23.3.
Variant type: Insertion.
Coding change: c.2023-9_2023-8insAA on transcript NM_015662.3 (MANE Select); 9 bases into the intron before coding-DNA position 2023 through 8 bases into the intron before coding-DNA position 2023, AA inserted.
Molecular consequence: intron variant.
Genome position: GRCh38 VCF-style: chr2-27462801-G-GTT. GRCh37 (hg19) VCF-style: chr2-27685668-G-GTT.
Other names: c.2023-9_2023-8insAA (NM_015662.2).
Identifiers: ClinVar variation 2064272 (VCV002064272.5), dbSNP rs765846420, ClinGen allele CA1580439.